The following is an entry in ClinVar:

NM_000173.7(GP1BA):c.339_340insGA (p.Thr114fs)

Gene: GP1BA (glycoprotein Ib platelet subunit alpha; plus strand). Cytogenetic location: 17p13.2.
Variant type: Insertion.
Coding change: c.339_340insGA on transcript NM_000173.7 (MANE Select); coding-DNA positions 339 to 340, GA inserted.
Protein change: p.Thr114fs; shifts the reading frame from threonine 114.
Molecular consequence: frameshift variant.
Genome position: GRCh38 VCF-style: chr17-4932943-G-GGA. GRCh37 (hg19) VCF-style: chr17-4836238-G-GGA.
Other names: NM_000173.7:c.339_340insGA; short protein forms T114fs.
Identifiers: ClinVar variation 4087788 (VCV004087788.1).

ClinVar aggregate classification (germline): Likely pathogenic (3 of 4 stars; one submission).

Conditions:
Bernard Soulier syndrome (BSS). Also called: GLYCOPROTEIN Ib, PLATELET, DEFICIENCY OF; PLATELET GLYCOPROTEIN Ib DEFICIENCY; VON WILLEBRAND FACTOR RECEPTOR DEFICIENCY; Giant platelet syndrome; Hemorrhagiparous thrombocytic dystrophy; Giant platelet disease. Identifiers: Orphanet 274, MedGen C0005129, MeSH D001606, MONDO:0009276, OMIM 231200.

Submission:

ClinGen Platelet Disorders Variant Curation Expert Panel, ClinGen
Classification: Likely pathogenic for Bernard Soulier syndrome. Last evaluated: 2025-06-19. Review status: reviewed by expert panel. Criteria: ClinGen Platelet ACMG Specifications GP1BA V1.0.0. Collection method: curation. Allele origin: germline. Inheritance: Autosomal recessive inheritance.
Comment: The c.339_340insGA (p.Thr114GlufsTer16) variant in GP1BA is a frameshift variant that may cause loss of function of the protein, however it is predicted to escape nonsense mediated decay and remove >10% of the protein (PVS1_Strong). At least one patient (Patient BS-40 in PMID: 21699652) with this variant had aggregation absent for ristocetin and present for all other agonists, which is highly specific for Bernard-Soulier syndrome. Additionally, the patient had excessive mucocutaneous bleeding which is consistent with Bernard-Soulier syndrome (PP4). This variant is absent from gnomAD v4.1.0 (PM2_Supporting). In summary, this variant meets the criteria to be classified as Likely Pathogenic for autosomal recessive Bernard-Soulier syndrome based on the ACMG/AMP criteria applied, as specified by the ClinGen PD VCEP: PVS1_Strong, PP4, PM3_Supporting and PM2_Supporting (VCEP specifications version 2; date of approval xx/xx/xxxx).